The following is an entry in ClinVar:

NM_001267550.2(TTN):c.37328C>T (p.Pro12443Leu)

Gene: TTN (titin; minus strand). Cytogenetic location: 2q31.2.
Variant type: single nucleotide variant.
Coding change: c.37328C>T on transcript NM_001267550.2 (MANE Select); coding-DNA position 37328, C replaced by T.
Protein change: p.Pro12443Leu; replaces proline 12443 with leucine.
Molecular consequence: missense variant. On other transcripts: intron variant (3).
Genome position (GRCh38, 1-based): chr2:178,659,213, G>A on the plus strand (C>T on the coding strand, the complement: TTN is on the minus strand). VCF-style: chr2-178659213-G-A. GRCh37 (hg19) VCF-style: chr2-179523940-G-A.
Other names: c.34397C>T, p.Pro11466Leu (NM_001256850.1); c.31616C>T, p.Pro10539Leu (NM_133378.4); c.13283-16896C>T (NM_003319.4); c.13859-16896C>T (NM_133437.4); c.13658-16896C>T (NM_133432.3); short protein forms P10539L, P11466L, P12443L.
Identifiers: ClinVar variation 2651657 (VCV002651657.24), dbSNP rs1330452855, ClinGen allele CA349486045.
Genomic context (GRCh38, chr2:178,659,213, plus strand): 5'-GCAACAAGAGGGTGTCTACCTTTTGTGGGTGGCACTTCAGGCTTTTTAGGAGGAGGCACT[G>A]GCACTTTCTTTTCAGGAACAACTTCTTTGGGAGCCTCAGGCACTTGAAAGATATTAGTGA-3'
Protein context (NP_001254479.2, residues 12433-12453): PKEVVPEKKV[Pro12443Leu]VPPPKKPEVP

ClinVar aggregate classification (germline): Uncertain significance (1 of 4 stars; one submission).

Submission:

CeGaT Center for Human Genetics Tuebingen
Classification: Uncertain significance. Last evaluated: 2025-09-01. Review status: criteria provided, single submitter. Criteria: CeGaT Center For Human Genetics Tuebingen Variant Classification Criteria Version 2. Collection method: clinical testing. Allele origin: germline. Affected: yes. Observed: 3 variant alleles.
Comment: TTN: PM2, BP4